The following is an entry in ClinVar:

NM_006031.6(PCNT):c.4093C>T (p.Leu1365=)

Gene: PCNT (pericentrin; plus strand). Cytogenetic location: 21q22.3.
Variant type: single nucleotide variant.
Coding change: c.4093C>T on transcript NM_006031.6 (MANE Select); coding-DNA position 4093, C replaced by T.
Protein change: p.Leu1365=; no amino-acid change (leucine 1365 retained).
Molecular consequence: synonymous variant.
Genome position (GRCh38, 1-based): chr21:46,391,253, C>T. VCF-style: chr21-46391253-C-T. GRCh37 (hg19) VCF-style: chr21-47811168-C-T.
Other names: c.3739C>T, p.Leu1247= (NM_001315529.2).
Identifiers: ClinVar variation 1336133 (VCV001336133.24), dbSNP rs765239781, ClinGen allele CA10079533.
Genomic context (GRCh38, chr21:46,391,253, plus strand): 5'-GCAGATCTGAAGGAGGTGCTGGCCGGGAAGGAGGATTCCGAGCACCGTCTGGTGCTGGAG[C>T]TGGAGAGCCTGAGACGGCAGCTGCAGCAGGCGGCCCAGGAGCAGGCGGCGCTGAGGGAGG-3'
Protein context (NP_006022.3, residues 1355-1375): EDSEHRLVLE[Leu1365=]ESLRRQLQQA

ClinVar aggregate classification (germline): Likely benign. Review status: criteria provided, multiple submitters, no conflicts (2 of 4 stars). 5 submissions from 5 submitters: Likely benign (4). 1 of the submissions does not count toward it. Last evaluated 2025-01-09.

Conditions:
PCNT-related disorder. Also called: PCNT-related condition.

Allele frequency attached by ClinVar (database versions not stated): TOPMed below 0.00001; gnomAD exomes 0.00002; ExAC 0.00004.
gnomAD v4.1: 9 of 1,602,866 alleles (0.00056%); highest among the groups gnomAD compares: Middle Eastern, 0.083%; no homozygotes.

Submissions (5):

Labcorp Genetics (formerly Invitae), Labcorp
Classification: Likely benign. Last evaluated: 2025-01-09. Review status: criteria provided, single submitter. Criteria: Invitae Variant Classification Sherloc (09022015). Collection method: clinical testing. Allele origin: germline.

Blueprint Genetics
Classification: Likely benign. Last evaluated: 2024-10-07. Review status: criteria provided, single submitter. Criteria: ACMG Guidelines, 2015. Collection method: clinical testing. Allele origin: germline.

CeGaT Center for Human Genetics Tuebingen
Classification: Likely benign. Last evaluated: 2024-10-01. Review status: criteria provided, single submitter. Criteria: CeGaT Center For Human Genetics Tuebingen Variant Classification Criteria Version 2. Collection method: clinical testing. Allele origin: germline. Affected: yes. Observed: 1 variant allele.
Comment: PCNT: BP4, BP7

Genetic Services Laboratory, University of Chicago
Classification: Likely benign. Last evaluated: 2017-07-25. Review status: criteria provided, single submitter. Criteria: ACMG Guidelines, 2015. Collection method: clinical testing. Allele origin: germline. Affected: no.

PreventionGenetics, part of Exact Sciences
Classification: Likely benign for PCNT-related condition. Last evaluated: 2023-12-20. Review status: no assertion criteria provided. Collection method: clinical testing. Allele origin: germline. Not counted in ClinVar's aggregate classification.
Comment: This variant is classified as likely benign based on ACMG/AMP sequence variant interpretation guidelines (Richards et al. 2015 PMID: 25741868, with internal and published modifications).